The following is an entry in ClinVar:

NM_015046.7(SETX):c.202C>T (p.Arg68Cys)

Gene: SETX (senataxin; minus strand). Cytogenetic location: 9q34.13.
Variant type: single nucleotide variant.
Coding change: c.202C>T on transcript NM_015046.7 (MANE Select); coding-DNA position 202, C replaced by T.
Protein change: p.Arg68Cys; replaces arginine 68 with cysteine.
Molecular consequence: missense variant.
Genome position (GRCh38, 1-based): chr9:132,346,447, G>A on the plus strand (C>T on the coding strand, the complement: SETX is on the minus strand). VCF-style: chr9-132346447-G-A. GRCh37 (hg19) VCF-style: chr9-135221834-G-A.
Other names: c.202C>T, p.Arg68Cys (NM_001351527.2, NM_001351528.2); short protein forms R68C.
Identifiers: ClinVar variation 1329496 (VCV001329496.6), dbSNP rs771481623, ClinGen allele CA5298102.

ClinVar aggregate classification (germline): Conflicting classifications of pathogenicity. Review status: criteria provided, conflicting classifications (1 of 4 stars). 2 submissions from 2 submitters: Likely pathogenic (1); Uncertain significance (1). Last evaluated 2022-12-06.

Conditions:
Spinocerebellar ataxia, autosomal recessive, with axonal neuropathy 2 (SCAN2). Also called: ATAXIA-OCULOMOTOR APRAXIA 2; Ataxia-ocular apraxia-2; Ataxia with Oculomotor Apraxia Type 2; Ataxia with Oculomotor Apraxia. Identifiers: Orphanet 64753, MedGen C1853761, MONDO:0018996, OMIM 606002.
Amyotrophic lateral sclerosis type 4 (ALS4). Also called: AMYOTROPHIC LATERAL SCLEROSIS 4, JUVENILE; NEURONOPATHY, DISTAL HEREDITARY MOTOR, WITH PYRAMIDAL FEATURES. Identifiers: Orphanet 357043, MedGen C1865409, MONDO:0011223, OMIM 602433.

Allele frequency attached by ClinVar (database versions not stated): gnomAD exomes 0.00001; ExAC 0.00002.

Submissions (2):

Labcorp Genetics (formerly Invitae), Labcorp
Classification: Uncertain significance for Amyotrophic lateral sclerosis type 4; Spinocerebellar ataxia, autosomal recessive, with axonal neuropathy 2. Last evaluated: 2022-12-06. Review status: criteria provided, single submitter. Criteria: Invitae Variant Classification Sherloc (09022015). Collection method: clinical testing. Allele origin: germline.
Comment: In summary, the available evidence is currently insufficient to determine the role of this variant in disease. Therefore, it has been classified as a Variant of Uncertain Significance. Advanced modeling of protein sequence and biophysical properties (such as structural, functional, and spatial information, amino acid conservation, physicochemical variation, residue mobility, and thermodynamic stability) has been performed at Invitae for this missense variant, however the output from this modeling did not meet the statistical confidence thresholds required to predict the impact of this variant on SETX protein function. ClinVar contains an entry for this variant (Variation ID: 1329496). This missense change has been observed in individual(s) with autosomal recessive spinocerebellar ataxia (PMID: 30198223). It has also been observed to segregate with disease in related individuals. This variant has been reported in individual(s) with amyotrophic lateral sclerosis (Invitae); however, the role of the variant in this condition is currently unclear. This variant is present in population databases (rs771481623, gnomAD 0.003%). This sequence change replaces arginine, which is basic and polar, with cysteine, which is neutral and slightly polar, at codon 68 of the SETX protein (p.Arg68Cys).

Diagnostics Services (NGS), CSIR - Centre For Cellular And Molecular Biology
Classification: Likely pathogenic for Spinocerebellar ataxia, autosomal recessive, with axonal neuropathy 2. Last evaluated: 2021-12-10. Review status: criteria provided, single submitter. Criteria: ACMG Guidelines, 2015. Collection method: clinical testing. Allele origin: germline. Inheritance: Autosomal recessive inheritance. Affected: yes. Observed: 1 variant allele, 1 homozygote.
Comment: The c.202C>T variant is not present in publicly available population databases like 1000 Genomes and Exome Variant Server (EVS). The heterozygous state of the variant is present in Exome Aggregation Consortium (ExAC), Genome Aggregation Database (gnomAD) and dbSNP, at a very low frequency. The variant is not present in Indian Exome Database and in our in-house exome database. The variant was not earlier reported to ClinVar, Human Genome Mutation Database (HGMD) and/or OMIM databases, in any affected individuals. The variant was earlier identified in patients affected with ataxia oculomotor apraxia type 2 [PMID:30198223]. In-silico pathogenicity prediction programs like SIFT, Polyphen-2, MutationTaster2, CADD etc. predicted this variant to be likely deleterious. Varsome predicted this variant as VUS with some pathogenic evidence.

Literature cited by the submitters: PubMed 30198223 (cited by Labcorp Genetics (formerly Invitae), Labcorp and Diagnostics Services (NGS), CSIR - Centre For Cellular And Molecular Biology).